The following is an entry in ClinVar:

ClinVar aggregate classification (germline): Uncertain significance (1 of 4 stars; one submission).

Allele frequency attached by ClinVar (database versions not stated): TOPMed 0.00005; gnomAD 0.00003.
gnomAD v4.1: 7 of 1,613,824 alleles (0.00043%); highest among the groups gnomAD compares: African/African-American, 0.0067%; no homozygotes.

Submission:

Labcorp Genetics (formerly Invitae), Labcorp
Classification: Uncertain significance. Last evaluated: 2025-07-31. Review status: criteria provided, single submitter. Criteria: Invitae Variant Classification Sherloc (09022015). Collection method: clinical testing. Allele origin: germline.
Comment: This sequence change replaces glycine, which is neutral and non-polar, with arginine, which is basic and polar, at codon 1638 of the TECTA protein (p.Gly1638Arg). This variant is present in population databases (no rsID available, gnomAD 0.01%). This variant has not been reported in the literature in individuals affected with TECTA-related conditions. ClinVar contains an entry for this variant (Variation ID: 3016910). Invitae Evidence Modeling of protein sequence and biophysical properties (such as structural, functional, and spatial information, amino acid conservation, physicochemical variation, residue mobility, and thermodynamic stability) has been performed for this missense variant. However, the output from this modeling did not meet the statistical confidence thresholds required to predict the impact of this variant on TECTA protein function. In summary, the available evidence is currently insufficient to determine the role of this variant in disease. Therefore, it has been classified as a Variant of Uncertain Significance.

NM_005422.4(TECTA):c.4912G>C (p.Gly1638Arg)

Genes: TBCEL-TECTA (TBCEL-TECTA readthrough; plus strand), TECTA (tectorin alpha; plus strand). Cytogenetic location: 11q23.3.
Variant type: single nucleotide variant.
Coding change: c.4912G>C on transcript NM_005422.4 (MANE Select); coding-DNA position 4912, G replaced by C.
Protein change: p.Gly1638Arg; replaces glycine 1638 with arginine.
Molecular consequence: missense variant.
Genome position (GRCh38, 1-based): chr11:121,160,357, G>C. VCF-style: chr11-121160357-G-C. GRCh37 (hg19) VCF-style: chr11-121031066-G-C.
Other names: c.5869G>C, p.Gly1957Arg (NM_001378761.1); short protein forms G1957R, G1638R.
Identifiers: ClinVar variation 3016910 (VCV003016910.3), dbSNP rs896046151, ClinGen allele CA229846374.
Genomic context (GRCh38, chr11:121,160,357, plus strand): 5'-GTGTGCGGTCTCTGTGGCAACTTCAACGGGGACCTAACAGATGATTATGTGACCTTGCGA[G>C]GGAAGCCGGTGGTAAGCAGCGTGGTGCTGGCCCAGAGCTGGAAAACCAATGGCATGCAGA-3'
Protein context (NP_005413.2, residues 1628-1648): DLTDDYVTLR[Gly1638Arg]KPVVSSVVLA